The following is an entry in ClinVar:

NM_001127222.2(CACNA1A):c.2172+14G>A

Gene: CACNA1A (calcium voltage-gated channel subunit alpha1 A; minus strand). Cytogenetic location: 19p13.13.
Variant type: single nucleotide variant.
Coding change: c.2172+14G>A on transcript NM_001127222.2 (MANE Select); 14 bases into the intron after coding-DNA position 2172, G replaced by A.
Molecular consequence: intron variant.
Genome position (GRCh38, 1-based): chr19:13,303,532, C>T on the plus strand (G>A on the coding strand, the complement: CACNA1A is on the minus strand). VCF-style: chr19-13303532-C-T. GRCh37 (hg19) VCF-style: chr19-13414346-C-T.
Other names: c.2175+14G>A (NM_001127221.2, NM_001174080.2); c.2184+5G>A (NM_000068.4, NM_023035.3).
Identifiers: ClinVar variation 681963 (VCV000681963.7), dbSNP rs1195908031, ClinGen allele CA505660834.
Genomic context (GRCh38, chr19:13,303,532, plus strand): 5'-ACCCCCACCCCCGTCCTGATCTGCCATGGGCAGGTGGTAACTTTGCCAGAGAAACATTCT[C>T]CCACCGCCTCCACCTTGGTGAGCTCCTGGGCGTTGGCCAGATTGTCCACAGCGATGGCCA-3'

ClinVar aggregate classification (germline): Conflicting classifications of pathogenicity. Review status: criteria provided, conflicting classifications (1 of 4 stars). 3 submissions from 3 submitters: Uncertain significance (1); Likely benign (2). Last evaluated 2023-06-05.

Conditions:
Developmental and epileptic encephalopathy, 42 (DEE42A). Also called: Epileptic encephalopathy, early infantile, 42; DEVELOPMENTAL AND EPILEPTIC ENCEPHALOPATHY 42A; EPILEPTIC ENCEPHALOPATHY, EARLY INFANTILE, 42A. Identifiers: MedGen C4310716, MONDO:0014917, OMIM 617106.
Episodic ataxia type 2 (EA2). Also called: ACETAZOLAMIDE-RESPONSIVE HEREDITARY PAROXYSMAL CEREBELLAR ATAXIA; ATAXIA, FAMILIAL PAROXYSMAL; CEREBELLAR ATAXIA, PAROXYSMAL, ACETAZOLAMIDE-RESPONSIVE; CEREBELLOPATHY, HEREDITARY PAROXYSMAL; EPISODIC ATAXIA, NYSTAGMUS-ASSOCIATED; ATAXIA, EPISODIC, WITH NYSTAGMUS. Identifiers: Orphanet 97, MedGen C1720416, MONDO:0007163, OMIM 108500.

Allele frequency attached by ClinVar (database versions not stated): gnomAD exomes 0.00001; TOPMed 0.00001.
gnomAD v4.1: 9 of 1,486,116 alleles (0.00061%); highest among the groups gnomAD compares: East Asian, 0.0086%; no homozygotes.

Submissions (3):

Labcorp Genetics (formerly Invitae), Labcorp
Classification: Likely benign for Developmental and epileptic encephalopathy, 42; Episodic ataxia type 2. Last evaluated: 2023-06-05. Review status: criteria provided, single submitter. Criteria: Invitae Variant Classification Sherloc (09022015). Collection method: clinical testing. Allele origin: germline.

CENTOGENE GmbH and LLC - Guiding Precision Medicine
Classification: Uncertain significance for Developmental and epileptic encephalopathy, 42. Last evaluated: 2019-12-07. Review status: criteria provided, single submitter. Criteria: ACMG Guidelines, 2015. Collection method: clinical testing. Allele origin: germline. Affected: yes.

GeneDx
Classification: Likely benign. Last evaluated: 2018-04-13. Review status: criteria provided, single submitter. Criteria: GeneDx Variant Classification (06012015). Collection method: clinical testing. Allele origin: germline. Affected: yes.
Comment: This variant is considered likely benign or benign based on one or more of the following criteria: it is a conservative change, it occurs at a poorly conserved position in the protein, it is predicted to be benign by multiple in silico algorithms, and/or has population frequency not consistent with disease.